The following is an entry in ClinVar:

ClinVar aggregate classification (germline): Uncertain significance. Review status: criteria provided, multiple submitters, no conflicts (2 of 4 stars). 2 submissions from 2 submitters: Uncertain significance (2). Last evaluated 2025-05-01.

Conditions:
Hereditary hyperekplexia. Identifiers: Orphanet 3197, MedGen C4084968, MONDO:0021022.

Allele frequency attached by ClinVar (database versions not stated): gnomAD exomes below 0.00001.
gnomAD v4.1: 1 of 1,613,934 alleles (0.000062%); highest among the groups gnomAD compares: Non-Finnish European, 0.000085%; no homozygotes.

Submissions (2):

GeneDx
Classification: Uncertain significance. Last evaluated: 2025-05-01. Review status: criteria provided, single submitter. Criteria: GeneDx Variant Classification Process June 2021. Collection method: clinical testing. Allele origin: germline. Affected: yes.
Comment: Not observed at significant frequency in large population cohorts (gnomAD); In silico analysis suggests that this missense variant does not alter protein structure/function; Has not been previously published as pathogenic or benign to our knowledge

Labcorp Genetics (formerly Invitae), Labcorp
Classification: Uncertain significance for Hereditary hyperekplexia. Last evaluated: 2022-12-28. Review status: criteria provided, single submitter. Criteria: Invitae Variant Classification Sherloc (09022015). Collection method: clinical testing. Allele origin: germline.
Comment: In summary, the available evidence is currently insufficient to determine the role of this variant in disease. Therefore, it has been classified as a Variant of Uncertain Significance. Advanced modeling of protein sequence and biophysical properties (such as structural, functional, and spatial information, amino acid conservation, physicochemical variation, residue mobility, and thermodynamic stability) performed at Invitae indicates that this missense variant is not expected to disrupt GLRA1 protein function. This variant has not been reported in the literature in individuals affected with GLRA1-related conditions. This variant is not present in population databases (gnomAD no frequency). This sequence change replaces methionine, which is neutral and non-polar, with valine, which is neutral and non-polar, at codon 425 of the GLRA1 protein (p.Met425Val).

NM_000171.4(GLRA1):c.1273A>G (p.Met425Val)

Gene: GLRA1 (glycine receptor alpha 1; minus strand). Cytogenetic location: 5q33.1.
Variant type: single nucleotide variant.
Coding change: c.1273A>G on transcript NM_000171.4 (MANE Select); coding-DNA position 1273, A replaced by G.
Protein change: p.Met425Val; replaces methionine 425 with valine.
Molecular consequence: missense variant.
Genome position (GRCh38, 1-based): chr5:151,822,750, T>C on the plus strand (A>G on the coding strand, the complement: GLRA1 is on the minus strand). VCF-style: chr5-151822750-T-C. GRCh37 (hg19) VCF-style: chr5-151202311-T-C.
Other names: c.1297A>G, p.Met433Val (NM_001146040.2); c.1024A>G, p.Met342Val (NM_001292000.2); c.1273A>G (NM_000171.3); short protein forms M425V, M342V, M433V.
Identifiers: ClinVar variation 2723494 (VCV002723494.4), dbSNP rs983418003, ClinGen allele CA130006153.
Genomic context (GRCh38, chr5:151,822,750, plus strand): 5'-CCTCTCTACGGACAATCTTGTAGATGATCCAGTAGAACATGTTGAAAATGAGGAAGGCCA[T>C]GGGGAAGCCAATGCGGGATATTTTGTCGATCTTCTTGGCCCTCTGGATGAAGAGTTTTCG-3'
Protein context (NP_000162.2, residues 415-435): IDKISRIGFP[Met425Val]AFLIFNMFYW